The following is an entry in ClinVar:

NM_000083.3(CLCN1):c.635T>C (p.Phe212Ser)

Gene: CLCN1 (chloride voltage-gated channel 1; plus strand). Cytogenetic location: 7q34.
Variant type: single nucleotide variant.
Coding change: c.635T>C on transcript NM_000083.3 (MANE Select); coding-DNA position 635, T replaced by C.
Protein change: p.Phe212Ser; replaces phenylalanine 212 with serine.
Molecular consequence: missense variant. On other transcripts: non-coding transcript variant (1).
Genome position (GRCh38, 1-based): chr7:143,321,787, T>C. VCF-style: chr7-143321787-T-C. GRCh37 (hg19) VCF-style: chr7-143018880-T-C.
Other names: short protein forms F212S.
Identifiers: ClinVar variation 531750 (VCV000531750.13), dbSNP rs201113768, ClinGen allele CA4537020.

ClinVar aggregate classification (germline): Uncertain significance. Review status: criteria provided, multiple submitters, no conflicts (2 of 4 stars). 3 submissions from 3 submitters: Uncertain significance (3). Last evaluated 2025-09-29.

Conditions:
Congenital myotonia, autosomal recessive form. Also called: Becker Generalized Myotonia; BECKER DISEASE; myotonia congenita, autosomal recessive. Identifiers: Orphanet 614, MedGen C0751360, MONDO:0009715, OMIM 255700.
Congenital myotonia, autosomal dominant form (THD). Also called: THOMSEN DISEASE; Myotonia congenita autosomal dominant. Identifiers: Orphanet 614, MedGen C2936781, MONDO:0008055, OMIM 160800.

Allele frequency attached by ClinVar (database versions not stated): ExAC 0.00002; TOPMed 0.00002; gnomAD 0.00003.
gnomAD v4.1: 79 of 1,614,130 alleles (0.0049%); highest among the groups gnomAD compares: Non-Finnish European, 0.0063%; no homozygotes.

Submissions (3):

Labcorp Genetics (formerly Invitae), Labcorp
Classification: Uncertain significance for Congenital myotonia, autosomal recessive form; Congenital myotonia, autosomal dominant form. Last evaluated: 2025-09-29. Review status: criteria provided, single submitter. Criteria: Invitae Variant Classification Sherloc (09022015). Collection method: clinical testing. Allele origin: germline.
Comment: This sequence change replaces phenylalanine, which is neutral and non-polar, with serine, which is neutral and polar, at codon 212 of the CLCN1 protein (p.Phe212Ser). This variant is present in population databases (rs201113768, gnomAD 0.008%). This missense change has been observed in individual(s) with clinical features of CLCN1-related conditions (internal data). ClinVar contains an entry for this variant (Variation ID: 531750). Invitae Evidence Modeling of protein sequence and biophysical properties (such as structural, functional, and spatial information, amino acid conservation, physicochemical variation, residue mobility, and thermodynamic stability) indicates that this missense variant is expected to disrupt CLCN1 protein function with a positive predictive value of 95%. In summary, the available evidence is currently insufficient to determine the role of this variant in disease. Therefore, it has been classified as a Variant of Uncertain Significance.

Revvity Omics, Revvity
Classification: Uncertain significance. Last evaluated: 2025-05-30. Review status: criteria provided, single submitter. Criteria: ACMG Guidelines, 2015. Collection method: clinical testing. Allele origin: germline.

GeneDx
Classification: Uncertain significance. Last evaluated: 2024-09-26. Review status: criteria provided, single submitter. Criteria: GeneDx Variant Classification Process June 2021. Collection method: clinical testing. Allele origin: germline. Affected: yes.
Comment: Not observed at significant frequency in large population cohorts (gnomAD); In silico analysis supports that this missense variant has a deleterious effect on protein structure/function; Has not been previously published as pathogenic or benign to our knowledge